The following is an entry in ClinVar:

NM_001734.5(C1S):c.1046A>C (p.Asn349Thr)

Gene: C1S (complement C1s; plus strand). Cytogenetic location: 12p13.31.
Variant type: single nucleotide variant.
Coding change: c.1046A>C on transcript NM_001734.5 (MANE Select); coding-DNA position 1046, A replaced by C.
Protein change: p.Asn349Thr; replaces asparagine 349 with threonine.
Molecular consequence: missense variant.
Genome position (GRCh38, 1-based): chr12:7,067,097, A>C. VCF-style: chr12-7067097-A-C. GRCh37 (hg19) VCF-style: chr12-7174401-A-C.
Other names: c.545A>C, p.Asn182Thr (NM_001346850.2); c.1046A>C, p.Asn349Thr (NM_201442.4); short protein forms N182T, N349T.
Identifiers: ClinVar variation 1921819 (VCV001921819.5), dbSNP rs192346248, ClinGen allele CA6423654.

ClinVar aggregate classification (germline): Uncertain significance (1 of 4 stars; one submission).

Allele frequency attached by ClinVar (database versions not stated): gnomAD 0.00001; TOPMed 0.00002; 1000 Genomes Project 30x 0.00016; 1000 Genomes Project 0.00020.
gnomAD v4.1: 9 of 1,607,460 alleles (0.00056%); highest among the groups gnomAD compares: East Asian, 0.018%; no homozygotes.

Submission:

Labcorp Genetics (formerly Invitae), Labcorp
Classification: Uncertain significance. Last evaluated: 2025-06-19. Review status: criteria provided, single submitter. Criteria: Invitae Variant Classification Sherloc (09022015). Collection method: clinical testing. Allele origin: germline.
Comment: This sequence change replaces asparagine, which is neutral and polar, with threonine, which is neutral and polar, at codon 349 of the C1S protein (p.Asn349Thr). This variant is present in population databases (rs192346248, gnomAD 0.04%). This variant has not been reported in the literature in individuals affected with C1S-related conditions. ClinVar contains an entry for this variant (Variation ID: 1921819). Invitae Evidence Modeling of protein sequence and biophysical properties (such as structural, functional, and spatial information, amino acid conservation, physicochemical variation, residue mobility, and thermodynamic stability) indicates that this missense variant is not expected to disrupt C1S protein function with a negative predictive value of 80%. In summary, the available evidence is currently insufficient to determine the role of this variant in disease. Therefore, it has been classified as a Variant of Uncertain Significance.